The following is an entry in ClinVar:

ClinVar aggregate classification (germline): Benign (1 of 4 stars; one submission).

Conditions:
Hereditary pheochromocytoma and paraganglioma. Also called: Hereditary Paraganglioma-Pheochromocytoma Syndromes; Hereditary paragangliomas and pheochromocytomas; Hereditary pheochromocytoma-paraganglioma. Identifiers: Orphanet 29072, MedGen C4274332, MONDO:0017366.

Allele frequency attached by ClinVar (database versions not stated): TOPMed 0.00002.
gnomAD v4.1: 18 of 1,597,200 alleles (0.0011%); highest among the groups gnomAD compares: East Asian, 0.04%; no homozygotes.

Submission:

Illumina Laboratory Services, Illumina
Classification: Benign for Hereditary Paraganglioma-Pheochromocytoma Syndromes. Last evaluated: 2018-01-13. Review status: criteria provided, single submitter. Criteria: ICSL Variant Classification Criteria 13 December 2019. Collection method: clinical testing. Allele origin: germline.
Comment: This variant was observed in the ICSL laboratory as part of a predisposition screen in an ostensibly healthy population. It had not been previously curated by ICSL or reported in the Human Gene Mutation Database (HGMD: prior to June 1st, 2018), and was therefore a candidate for classification through an automated scoring system. Utilizing variant allele frequency, disease prevalence and penetrance estimates, and inheritance mode, an automated score was calculated to assess if this variant is too frequent to cause the disease. Based on the score and internal cut-off values, a variant classified as benign is not then subjected to further curation. The score for this variant resulted in a classification of benign for this disease.

NM_003001.5(SDHC):c.77+13G>C

Gene: SDHC (succinate dehydrogenase complex subunit C; plus strand). Cytogenetic location: 1q23.3.
Variant type: single nucleotide variant.
Coding change: c.77+13G>C on transcript NM_003001.5 (MANE Select); 13 bases into the intron after coding-DNA position 77, G replaced by C.
Molecular consequence: intron variant.
Genome position (GRCh38, 1-based): chr1:161,323,683, G>C. VCF-style: chr1-161323683-G-C. GRCh37 (hg19) VCF-style: chr1-161293473-G-C.
Other names: c.-35+13G>C (NM_001407119.1); c.-153+13G>C (NM_001407120.1); c.77+13G>C (NM_001407115.1, NM_001035511.3, NM_001035512.3 and 2 more transcripts); c.21-4713G>C (NM_001407116.1, NM_001407121.1, NM_001407117.1); c.20+9258G>C (NM_001035513.3).
Identifiers: ClinVar variation 293317 (VCV000293317.6), dbSNP rs779727693, ClinGen allele CA048145.
Genomic context (GRCh38, chr1:161,323,683, plus strand): 5'-TCGTCATTGCCTCCGAGCCCACTTTAGCCCTCAGCTCTGTATCAGAAAGTAAGTTTCTAA[G>C]TCTGGAGATTATTTATTTATTTTTTTTTTTGAGACGGAGTCTCGCTCTGTCACCCAGGCT-3'